The following is an entry in ClinVar:

NM_005431.2(XRCC2):c.73A>G (p.Lys25Glu)

Gene: XRCC2 (X-ray repair cross complementing 2; minus strand). Cytogenetic location: 7q36.1.
Variant type: single nucleotide variant.
Coding change: c.73A>G on transcript NM_005431.2 (MANE Select); coding-DNA position 73, A replaced by G.
Protein change: p.Lys25Glu; replaces lysine 25 with glutamic acid.
Molecular consequence: missense variant.
Genome position (GRCh38, 1-based): chr7:152,660,749, T>C on the plus strand (A>G on the coding strand, the complement: XRCC2 is on the minus strand). VCF-style: chr7-152660749-T-C. GRCh37 (hg19) VCF-style: chr7-152357834-T-C.
Other names: short protein forms K25E.
Identifiers: ClinVar variation 3224696 (VCV003224696.1), dbSNP rs2116999624, ClinGen allele CA370199496.
Genomic context (GRCh38, chr7:152,660,749, plus strand): 5'-TGTATTTTTTACCATGCACAGGTGAATCTTCATCAGCAAACAGATTTGGTTCTATTTCTT[T>C]CAAGGAACTTCTACCTTCAAGTCGGGCAAGGAGCTTATAAAAGAAGAGAGAAGGAAAACT-3'
Protein context (NP_005422.1, residues 15-35): LARLEGRSSL[Lys25Glu]EIEPNLFADE

ClinVar aggregate classification (germline): Uncertain significance (1 of 4 stars; one submission).

Conditions:
Hereditary cancer-predisposing syndrome. Also called: Tumor predisposition; Hereditary neoplastic syndrome; Hereditary Cancer Syndrome; Neoplastic Syndromes, Hereditary. Identifiers: Orphanet 140162, MedGen C0027672, MeSH D009386, MONDO:0015356.

Allele frequency attached by ClinVar (database versions not stated): gnomAD 0.00001.
gnomAD v4.1: 6 of 1,613,540 alleles (0.00037%); highest among the groups gnomAD compares: Admixed American, 0.0033%; no homozygotes.

Submission:

Ambry Genetics
Classification: Uncertain significance for Hereditary cancer-predisposing syndrome. Last evaluated: 2024-03-01. Review status: criteria provided, single submitter. Criteria: Ambry Variant Classification Scheme 2023. Collection method: clinical testing. Allele origin: germline.
Comment: The p.K25E variant (also known as c.73A>G), located in coding exon 2 of the XRCC2 gene, results from an A to G substitution at nucleotide position 73. The lysine at codon 25 is replaced by glutamic acid, an amino acid with similar properties. This amino acid position is conserved. In addition, the in silico prediction for this alteration is inconclusive. Based on the available evidence, the clinical significance of this alteration remains unclear.